The following is an entry in ClinVar:

NM_000548.5(TSC2):c.1388T>G (p.Ile463Ser)

Gene: TSC2 (TSC complex subunit 2; plus strand). Cytogenetic location: 16p13.3.
Variant type: single nucleotide variant.
Coding change: c.1388T>G on transcript NM_000548.5 (MANE Select); coding-DNA position 1388, T replaced by G.
Protein change: p.Ile463Ser; replaces isoleucine 463 with serine.
Molecular consequence: missense variant.
Genome position (GRCh38, 1-based): chr16:2,062,998, T>G. VCF-style: chr16-2062998-T-G. GRCh37 (hg19) VCF-style: chr16-2112999-T-G.
Other names: c.1388T>G, p.Ile463Ser (NM_001077183.3, NM_001114382.3, NM_001363528.2 and 3 more transcripts); c.1277T>G, p.Ile426Ser (NM_001318827.2); c.1241T>G, p.Ile414Ser (NM_001318829.2); c.788T>G, p.Ile263Ser (NM_001318831.2); c.1421T>G, p.Ile474Ser (NM_001318832.2); short protein forms I463S, I263S, I426S, I414S, I474S.
Identifiers: ClinVar variation 406027 (VCV000406027.11), dbSNP rs1060500940, ClinGen allele CA16614710.
Genomic context (GRCh38, chr16:2,062,998, plus strand): 5'-TCCCCACCCGCCCCAGCAGGCTGCCGTCCCGCAGGAGCGAGTCCCGAGGCGCCGTGCGCA[T>G]CAAGGTGCTGGACGTGCTGTCCTTTGTGCTGCTCATCAACAGGCAGTTCTATGAGGTGCG-3'
Protein context (NP_000539.2, residues 453-473): FRSESRGAVR[Ile463Ser]KVLDVLSFVL

ClinVar aggregate classification (germline): Uncertain significance. Review status: criteria provided, multiple submitters, no conflicts (2 of 4 stars). 2 submissions from 2 submitters: Uncertain significance (2). Last evaluated 2026-02-03.

Conditions:
Hereditary cancer-predisposing syndrome. Also called: Neoplastic Syndromes, Hereditary; Tumor predisposition; Hereditary neoplastic syndrome; Hereditary Cancer Syndrome. Identifiers: Orphanet 140162, MedGen C0027672, MeSH D009386, MONDO:0015356.
Tuberous sclerosis 2 (TSC2). Identifiers: Orphanet 805, MedGen C1860707, MONDO:0013199, OMIM 613254.

Submissions (2):

Ambry Genetics
Classification: Uncertain significance for Hereditary cancer-predisposing syndrome. Last evaluated: 2026-02-03. Review status: criteria provided, single submitter. Criteria: Ambry Variant Classification Scheme 2023. Collection method: clinical testing. Allele origin: germline.
Comment: The p.I463S variant (also known as c.1388T>G), located in coding exon 13 of the TSC2 gene, results from a T to G substitution at nucleotide position 1388. The isoleucine at codon 463 is replaced by serine, an amino acid with dissimilar properties. This amino acid position is well conserved in available vertebrate species. In addition, this alteration is predicted to be deleterious by in silico analysis. Based on the available evidence, the clinical significance of this variant remains unclear.

Labcorp Genetics (formerly Invitae), Labcorp
Classification: Uncertain significance for Tuberous sclerosis 2. Last evaluated: 2024-02-15. Review status: criteria provided, single submitter. Criteria: Invitae Variant Classification Sherloc (09022015). Collection method: clinical testing. Allele origin: germline.
Comment: This sequence change replaces isoleucine, which is neutral and non-polar, with serine, which is neutral and polar, at codon 463 of the TSC2 protein (p.Ile463Ser). This variant is not present in population databases (gnomAD no frequency). This variant has not been reported in the literature in individuals affected with TSC2-related conditions. ClinVar contains an entry for this variant (Variation ID: 406027). Advanced modeling of protein sequence and biophysical properties (such as structural, functional, and spatial information, amino acid conservation, physicochemical variation, residue mobility, and thermodynamic stability) performed at Invitae indicates that this missense variant is not expected to disrupt TSC2 protein function with a negative predictive value of 95%. In summary, the available evidence is currently insufficient to determine the role of this variant in disease. Therefore, it has been classified as a Variant of Uncertain Significance.